The following is an entry in ClinVar:

ClinVar aggregate classification (germline): Uncertain significance (1 of 4 stars; one submission).

Submission:

Labcorp Genetics (formerly Invitae), Labcorp
Classification: Uncertain significance. Last evaluated: 2022-08-31. Review status: criteria provided, single submitter. Criteria: Invitae Variant Classification Sherloc (09022015). Collection method: clinical testing. Allele origin: germline.
Comment: Algorithms developed to predict the effect of missense changes on protein structure and function are either unavailable or do not agree on the potential impact of this missense change (SIFT: "Not Available"; PolyPhen-2: "Benign"; Align-GVGD: "Not Available"). This variant has not been reported in the literature in individuals affected with NBAS-related conditions. Information on the frequency of this variant in the gnomAD database is not available, as this variant may be reported differently in the database. This sequence change replaces alanine, which is neutral and non-polar, with phenylalanine, which is neutral and non-polar, at codon 1738 of the NBAS protein (p.Ala1738Phe). In summary, the available evidence is currently insufficient to determine the role of this variant in disease. Therefore, it has been classified as a Variant of Uncertain Significance.

NM_015909.4(NBAS):c.5212_5213delinsTT (p.Ala1738Phe)

Gene: NBAS (NBAS subunit of NRZ tethering complex; minus strand). Cytogenetic location: 2p24.3.
Variant type: Indel.
Coding change: c.5212_5213delinsTT on transcript NM_015909.4 (MANE Select); coding-DNA positions 5212 to 5213, GC replaced by TT.
Protein change: p.Ala1738Phe; replaces alanine 1738 with phenylalanine.
Molecular consequence: missense variant. On other transcripts: non-coding transcript variant (1).
Genome position (GRCh38, 1-based): chr2:15,277,027-15,277,028, GC replaced by AA on the plus strand (GC replaced by TT on the coding strand, the reverse complement: NBAS is on the minus strand). VCF-style: chr2-15277027-GC-AA. GRCh37 (hg19) VCF-style: chr2-15417151-GC-AA.
Other names: short protein forms A1738F.
Identifiers: ClinVar variation 2132624 (VCV002132624.4), dbSNP rs2528125731, ClinGen allele CA2580063629.